The following is an entry in ClinVar:

ClinVar aggregate classification (germline): Pathogenic. Review status: criteria provided, multiple submitters, no conflicts (2 of 4 stars). 4 submissions from 4 submitters: Pathogenic (3). 1 of the submissions does not count toward it. Last evaluated 2025-12-31.

Conditions:
ABCA4-related disorder. Also called: ABCA4-related disorders; ABCA4-related condition. Identifiers: MedGen CN239167.

Allele frequency attached by ClinVar (database versions not stated): gnomAD exomes below 0.00001 and 0.00001.
gnomAD v4.1: 11 of 1,613,424 alleles (0.00068%); highest among the groups gnomAD compares: Non-Finnish European, 0.00076%; no homozygotes.

Submissions (4):

Labcorp Genetics (formerly Invitae), Labcorp
Classification: Pathogenic. Last evaluated: 2025-12-31. Review status: criteria provided, single submitter. Criteria: Invitae Variant Classification Sherloc (09022015). Collection method: clinical testing. Allele origin: germline.
Comment: This sequence change affects a donor splice site in intron 14 of the ABCA4 gene. It is expected to disrupt RNA splicing. Variants that disrupt the donor or acceptor splice site typically lead to a loss of protein function (PMID: 16199547), and loss-of-function variants in ABCA4 are known to be pathogenic (PMID: 10958761, 24938718, 25312043, 26780318). This variant is not present in population databases (gnomAD no frequency). Disruption of this splice site has been observed in individual(s) with Stargardt disease or autosomal recessive retinitis pigmentosa (PMID: 22395892, 28947085). In at least one individual the data is consistent with being in trans (on the opposite chromosome) from a pathogenic variant. ClinVar contains an entry for this variant (Variation ID: 99121). Algorithms developed to predict the effect of sequence changes on RNA splicing suggest that this variant may disrupt the consensus splice site. For these reasons, this variant has been classified as Pathogenic.

Blueprint Genetics
Classification: Pathogenic for ABCA4-related disorders. Last evaluated: 2024-07-15. Review status: criteria provided, single submitter. Criteria: ACMG Guidelines, 2015. Collection method: clinical testing. Allele origin: germline. Affected: yes. Observed: 4 variant alleles.

GeneDx
Classification: Pathogenic. Last evaluated: 2020-10-22. Review status: criteria provided, single submitter. Criteria: GeneDx Variant Classification Process June 2021. Collection method: clinical testing. Allele origin: germline. Affected: yes.
Comment: Canonical splice site variant in a gene for which loss-of-function is a known mechanism of disease; Not observed at a significant frequency in large population cohorts (Lek et al., 2016); This variant is associated with the following publications: (PMID: 28947085, 22395892, 30055151, 9973280)

Retina International
No classification provided. Review status: no classification provided. Collection method: not provided. Allele origin: not provided. Not counted in ClinVar's aggregate classification.

Literature cited by the submitters: PubMed 16199547 (cited by Labcorp Genetics (formerly Invitae), Labcorp); PubMed 10958761 (cited by Labcorp Genetics (formerly Invitae), Labcorp); PubMed 24938718 (cited by Labcorp Genetics (formerly Invitae), Labcorp); PubMed 25312043 (cited by Labcorp Genetics (formerly Invitae), Labcorp); PubMed 26780318 (cited by Labcorp Genetics (formerly Invitae), Labcorp); PubMed 22395892 (cited by Labcorp Genetics (formerly Invitae), Labcorp); PubMed 28947085 (cited by Labcorp Genetics (formerly Invitae), Labcorp).

NM_000350.3(ABCA4):c.2160+1G>C

Gene: ABCA4 (ATP binding cassette subfamily A member 4; minus strand). Cytogenetic location: 1p22.1.
Variant type: single nucleotide variant.
Coding change: c.2160+1G>C on transcript NM_000350.3 (MANE Select); the canonical splice donor site of the intron after coding-DNA position 2160, G replaced by C.
Molecular consequence: splice donor variant.
Genome position (GRCh38, 1-based): chr1:94,060,536, C>G on the plus strand (G>C on the coding strand, the complement: ABCA4 is on the minus strand). VCF-style: chr1-94060536-C-G. GRCh37 (hg19) VCF-style: chr1-94526092-C-G.
Identifiers: ClinVar variation 99121 (VCV000099121.12), dbSNP rs61749427, ClinGen allele CA226984.
Genomic context (GRCh38, chr1:94,060,536, plus strand): 5'-GAGGAAAGGGGAAAGGAACCAAAGTATTCAAGATTTTCTGGGCCTTCTCCATTTGGCTTA[C>G]CATGATGAATATCGTCAGGAGGAAGATGCTCATCGACATGATGGAGAAGCTGTCCAGGAA-3'